The following is an entry in ClinVar:

ClinVar aggregate classification (germline): Likely pathogenic (1 of 4 stars; one submission).

gnomAD v4.1: 1 of 1,611,872 alleles (0.000062%); highest among the groups gnomAD compares: Non-Finnish European, 0.000085%; no homozygotes.

Submission:

GeneDx
Classification: Likely pathogenic. Last evaluated: 2024-10-07. Review status: criteria provided, single submitter. Criteria: GeneDx Variant Classification Process June 2021. Collection method: clinical testing. Allele origin: germline. Affected: yes.
Comment: Reported with a second variant (phase unknown) in a patient with prelingual nonsyndromic hearing loss in published literature (PMID: 35939872); Intronic variant directly or indirectly altering the +5 splice site in a gene for which loss of function is a known mechanism of disease, and splice predictors support a deleterious effect; Not observed at significant frequency in large population cohorts (gnomAD); This variant is associated with the following publications: (PMID: 35939872)

NM_016239.4(MYO15A):c.3866+5G>A

Gene: MYO15A (myosin XVA; plus strand). Cytogenetic location: 17p11.2.
Variant type: single nucleotide variant.
Coding change: c.3866+5G>A on transcript NM_016239.4 (MANE Select); 5 bases into the intron after coding-DNA position 3866, G replaced by A.
Molecular consequence: intron variant.
Genome position (GRCh38, 1-based): chr17:18,126,461, G>A. VCF-style: chr17-18126461-G-A. GRCh37 (hg19) VCF-style: chr17-18029775-G-A.
Identifiers: ClinVar variation 3777396 (VCV003777396.1).
Genomic context (GRCh38, chr17:18,126,461, plus strand): 5'-TATGGGCCGGAGCAGGTGCAGCAGTACAACGGACGGGCCCTGGGAGAGAATCCCCCGTGA[G>A]TGTCTCGGGGGCGCTGCCCTGGGGTCTCTTGGGCCCCTCTTTCCCCTGCTCTGGGAGCCT-3'